The following is an entry in ClinVar:

NM_014239.4(EIF2B2):c.664A>G (p.Ile222Val)

Gene: EIF2B2 (eukaryotic translation initiation factor 2B subunit beta; plus strand). Cytogenetic location: 14q24.3.
Variant type: single nucleotide variant.
Coding change: c.664A>G on transcript NM_014239.4 (MANE Select); coding-DNA position 664, A replaced by G.
Protein change: p.Ile222Val; replaces isoleucine 222 with valine.
Molecular consequence: missense variant.
Genome position (GRCh38, 1-based): chr14:75,005,932, A>G. VCF-style: chr14-75005932-A-G. GRCh37 (hg19) VCF-style: chr14-75472635-A-G.
Other names: c.664A>G (NM_014239.3); short protein forms I222V.
Identifiers: ClinVar variation 1701236 (VCV001701236.35), dbSNP rs142977089, ClinGen allele CA7275011.

ClinVar aggregate classification (germline): Uncertain significance. Review status: criteria provided, multiple submitters, no conflicts (2 of 4 stars). 3 submissions from 3 submitters: Uncertain significance (3). Last evaluated 2025-03-18.

Conditions:
Inborn genetic diseases. Identifiers: MedGen C0950123, MeSH D030342.

Allele frequency attached by ClinVar (database versions not stated): gnomAD 0.00007 and 0.00009; TOPMed 0.00008; ExAC 0.00010; gnomAD exomes 0.00010 and 0.00012; 1000 Genomes Project 30x 0.00016; 1000 Genomes Project 0.00020; ESP Exome Variant Server 0.00023.
gnomAD v4.1: 189 of 1,613,522 alleles (0.012%); highest among the groups gnomAD compares: Non-Finnish European, 0.015%; no homozygotes.

Submissions (3):

Labcorp Genetics (formerly Invitae), Labcorp
Classification: Uncertain significance. Last evaluated: 2025-03-18. Review status: criteria provided, single submitter. Criteria: Invitae Variant Classification Sherloc (09022015). Collection method: clinical testing. Allele origin: germline.
Comment: This sequence change replaces isoleucine, which is neutral and non-polar, with valine, which is neutral and non-polar, at codon 222 of the EIF2B2 protein (p.Ile222Val). This variant is present in population databases (rs142977089, gnomAD 0.02%). This variant has not been reported in the literature in individuals affected with EIF2B2-related conditions. ClinVar contains an entry for this variant (Variation ID: 1701236). Invitae Evidence Modeling of protein sequence and biophysical properties (such as structural, functional, and spatial information, amino acid conservation, physicochemical variation, residue mobility, and thermodynamic stability) indicates that this missense variant is not expected to disrupt EIF2B2 protein function with a negative predictive value of 80%. In summary, the available evidence is currently insufficient to determine the role of this variant in disease. Therefore, it has been classified as a Variant of Uncertain Significance.

CeGaT Center for Human Genetics Tuebingen
Classification: Uncertain significance. Last evaluated: 2022-07-01. Review status: criteria provided, single submitter. Criteria: CeGaT Center For Human Genetics Tuebingen Variant Classification Criteria Version 2. Collection method: clinical testing. Allele origin: germline. Affected: yes. Observed: 1 variant allele.
Comment: EIF2B2: PM1, PM2

Ambry Genetics
Classification: Uncertain significance for Inborn genetic diseases. Last evaluated: 2022-01-06. Review status: criteria provided, single submitter. Criteria: Ambry Variant Classification Scheme 2023. Collection method: clinical testing. Allele origin: germline.